The following is an entry in ClinVar:

NM_000642.3(AGL):c.4266G>T (p.Met1422Ile)

Gene: AGL (amylo-alpha-1,6-glucosidase and 4-alpha-glucanotransferase; plus strand). Cytogenetic location: 1p21.2.
Variant type: single nucleotide variant.
Coding change: c.4266G>T on transcript NM_000642.3 (MANE Select); coding-DNA position 4266, G replaced by T.
Protein change: p.Met1422Ile; replaces methionine 1422 with isoleucine.
Molecular consequence: missense variant.
Genome position (GRCh38, 1-based): chr1:99,916,416, G>T. VCF-style: chr1-99916416-G-T. GRCh37 (hg19) VCF-style: chr1-100381972-G-T.
Other names: p.Met1422Ile; c.4266G>T, p.Met1422Ile (NM_000028.3, NM_000643.3, NM_000644.3 and 1 more transcripts); c.4218G>T, p.Met1406Ile (NM_000646.3); c.4245G>T, p.Met1415Ile (NM_001425326.1); c.4065G>T, p.Met1355Ile (NM_001425327.1); c.4062G>T, p.Met1354Ile (NM_001425328.1); c.3927G>T, p.Met1309Ile (NM_001425329.1); c.3888G>T, p.Met1296Ile (NM_001425332.1); short protein forms M1422I, M1406I, M1296I, M1309I, M1354I, M1355I, M1415I.
Identifiers: ClinVar variation 1512073 (VCV001512073.6), dbSNP rs755347576, ClinGen allele CA967383.
Genomic context (GRCh38, chr1:99,916,416, plus strand): 5'-TTTACATAATATCTGATCATCTTTTATTTAACTTAAATTTCAATCATTTTGCAGTGATAT[G>T]GTTTACTGTGGAATTTATGACAATGCATTAGACAATGACAACTACAATCTTGCTAAAGGT-3'
Protein context (NP_000633.2, residues 1412-1432): LGMKTLDPDD[Met1422Ile]VYCGIYDNAL

ClinVar aggregate classification (germline): Uncertain significance. Review status: criteria provided, multiple submitters, no conflicts (2 of 4 stars). 2 submissions from 2 submitters: Uncertain significance (2). Last evaluated 2022-08-23.

Conditions:
Glycogen storage disease type III (GSD3). Also called: FORBES DISEASE; Cori disease. Identifiers: Orphanet 366, MedGen C0017922, MONDO:0009291, OMIM 232400.

Allele frequency attached by ClinVar (database versions not stated): gnomAD 0.00001; gnomAD exomes 0.00001 and 0.00002; TOPMed 0.00002; ExAC 0.00003.

Submissions (2):

Labcorp Genetics (formerly Invitae), Labcorp
Classification: Uncertain significance for Glycogen storage disease type III. Last evaluated: 2022-08-23. Review status: criteria provided, single submitter. Criteria: Invitae Variant Classification Sherloc (09022015). Collection method: clinical testing. Allele origin: germline.
Comment: This sequence change replaces methionine, which is neutral and non-polar, with isoleucine, which is neutral and non-polar, at codon 1422 of the AGL protein (p.Met1422Ile). This variant is present in population databases (rs755347576, gnomAD 0.01%). This variant has not been reported in the literature in individuals affected with AGL-related conditions. ClinVar contains an entry for this variant (Variation ID: 1512073). Algorithms developed to predict the effect of missense changes on protein structure and function (SIFT, PolyPhen-2, Align-GVGD) all suggest that this variant is likely to be tolerated. In summary, the available evidence is currently insufficient to determine the role of this variant in disease. Therefore, it has been classified as a Variant of Uncertain Significance.

Mayo Clinic Laboratories, Mayo Clinic
Classification: Uncertain significance. Last evaluated: 2022-06-03. Review status: criteria provided, single submitter. Criteria: ACMG Guidelines, 2015. Collection method: clinical testing. Allele origin: germline. Observed: 1 variant allele.
Comment: PM2